The following is an entry in ClinVar:

ClinVar aggregate classification (germline): Uncertain significance (1 of 4 stars; one submission).

Allele frequency attached by ClinVar (database versions not stated): TOPMed below 0.00001; gnomAD exomes 0.00002; ExAC 0.00004.

Submission:

Labcorp Genetics (formerly Invitae), Labcorp
Classification: Uncertain significance. Last evaluated: 2025-06-12. Review status: criteria provided, single submitter. Criteria: Invitae Variant Classification Sherloc (09022015). Collection method: clinical testing. Allele origin: germline.
Comment: This sequence change replaces glutamine, which is neutral and polar, with leucine, which is neutral and non-polar, at codon 342 of the SON protein (p.Gln342Leu). This variant is present in population databases (rs756447329, gnomAD 0.03%). This variant has not been reported in the literature in individuals affected with SON-related conditions. ClinVar contains an entry for this variant (Variation ID: 2147727). An algorithm developed to predict the effect of missense changes on protein structure and function (PolyPhen-2) suggests that this variant is likely to be disruptive. In summary, the available evidence is currently insufficient to determine the role of this variant in disease. Therefore, it has been classified as a Variant of Uncertain Significance.

NM_138927.4(SON):c.1025A>T (p.Gln342Leu)

Gene: SON (SON DNA and RNA binding protein; plus strand). Cytogenetic location: 21q22.11.
Variant type: single nucleotide variant.
Coding change: c.1025A>T on transcript NM_138927.4 (MANE Select); coding-DNA position 1025, A replaced by T.
Protein change: p.Gln342Leu; replaces glutamine 342 with leucine.
Molecular consequence: missense variant. On other transcripts: non-coding transcript variant (1), intron variant (1).
Genome position (GRCh38, 1-based): chr21:33,550,256, A>T. VCF-style: chr21-33550256-A-T. GRCh37 (hg19) VCF-style: chr21-34922562-A-T.
Other names: c.1025A>T, p.Gln342Leu (NM_001291411.2, NM_001412133.1, NM_032195.3 and 2 more transcripts); c.244+3877A>T (NM_001291412.3); short protein forms Q342L.
Identifiers: ClinVar variation 2147727 (VCV002147727.4), dbSNP rs756447329, ClinGen allele CA10008792.